The following is an entry in ClinVar:

NM_006734.4(HIVEP2):c.3188dup (p.Ala1064fs)

Gene: HIVEP2 (HIVEP zinc finger 2; minus strand). Cytogenetic location: 6q24.2.
Variant type: Duplication.
Coding change: c.3188dup on transcript NM_006734.4 (MANE Select); coding-DNA position 3188, one base duplicated (G; older notation c.3188dupG).
Protein change: p.Ala1064fs; shifts the reading frame from alanine 1064.
Molecular consequence: frameshift variant.
Genome position (GRCh38, 1-based): chr6:142,771,551, C duplicated on the plus strand (G on the coding strand, the reverse complement: HIVEP2 is on the minus strand); the first of 3 consecutive C bases (chr6:142,771,551-142,771,553); duplicating any one gives the same sequence. VCF-style (leftmost placement, unchanged base first): chr6-142771550-T-TC. GRCh37 (hg19) VCF-style: chr6-143092687-T-TC.
Other names: short protein forms A1064fs.
Identifiers: ClinVar variation 817827 (VCV000817827.1), dbSNP rs1582842733, ClinGen allele CA915944438.

ClinVar aggregate classification (germline): Likely pathogenic (1 of 4 stars; one submission).

Submission:

GeneDx
Classification: Likely pathogenic. Last evaluated: 2018-09-14. Review status: criteria provided, single submitter. Criteria: GeneDx Variant Classification (06012015). Collection method: clinical testing. Allele origin: germline. Affected: yes.
Comment: The c.3188dupG variant has not been published as a pathogenic variant, nor has it been reported as a benign variant to our knowledge. This variant is not observed in large population cohorts (Lek et al., 2016). The c.3188dupG variant causes a frameshift starting with codon Alanine 1064, changes this amino acid to a Serine residue, and creates a premature Stop codon at position 122 of the new reading frame, denoted p.Ala1064SerfsX122. This variant is predicted to cause loss of normal protein function either through protein truncation or nonsense-mediated mRNA decay.